The following is an entry in ClinVar:

ClinVar aggregate classification (germline): Uncertain significance (1 of 4 stars; one submission).

Conditions:
Inborn genetic diseases. Identifiers: MedGen C0950123, MeSH D030342.

Submission:

Ambry Genetics
Classification: Uncertain significance for Inborn genetic diseases. Last evaluated: 2025-11-19. Review status: criteria provided, single submitter. Criteria: Ambry Variant Classification Scheme 2023. Collection method: clinical testing. Allele origin: germline.
Comment: The c.1051G>A (p.A351T) alteration is located in exon 9 (coding exon 8) of the PPFIA3 gene. This alteration results from a G to A substitution at nucleotide position 1051, causing the alanine (A) at amino acid position 351 to be replaced by a threonine (T). Based on data from gnomAD, the A allele has an overall frequency of 0.003% (1/31348) total alleles studied. The highest observed frequency was 0.012% (1/8686) of African alleles. Based on insufficient or conflicting evidence, the clinical significance of this alteration remains unclear.

NM_003660.4(PPFIA3):c.1051G>A (p.Ala351Thr)

Gene: PPFIA3 (PPFI scaffold protein A3; plus strand). Cytogenetic location: 19q13.33.
Variant type: single nucleotide variant.
Coding change: c.1051G>A on transcript NM_003660.4 (MANE Select); coding-DNA position 1051, G replaced by A.
Protein change: p.Ala351Thr; replaces alanine 351 with threonine.
Molecular consequence: missense variant. On other transcripts: non-coding transcript variant (1).
Genome position (GRCh38, 1-based): chr19:49,133,261, G>A. VCF-style: chr19-49133261-G-A. GRCh37 (hg19) VCF-style: chr19-49636518-G-A.
Other names: short protein forms A351T.
Identifiers: ClinVar variation 4628249 (VCV004628249.1).